The following is an entry in ClinVar:

ClinVar aggregate classification (germline): Uncertain significance (1 of 4 stars; one submission).

Submission:

CeGaT Center for Human Genetics Tuebingen
Classification: Uncertain significance. Last evaluated: 2024-06-01. Review status: criteria provided, single submitter. Criteria: CeGaT Center For Human Genetics Tuebingen Variant Classification Criteria Version 2. Collection method: clinical testing. Allele origin: germline. Affected: yes. Observed: 1 variant allele.
Comment: L1CAM: PM2

NM_001278116.2(L1CAM):c.670C>T (p.Pro224Ser)

Gene: L1CAM (L1 cell adhesion molecule; minus strand). Cytogenetic location: Xq28.
Variant type: single nucleotide variant.
Coding change: c.670C>T on transcript NM_001278116.2 (MANE Select); coding-DNA position 670, C replaced by T.
Protein change: p.Pro224Ser; replaces proline 224 with serine.
Molecular consequence: missense variant.
Genome position (GRCh38, 1-based): chrX:153,870,814, G>A on the plus strand (C>T on the coding strand, the complement: L1CAM is on the minus strand). VCF-style: chrX-153870814-G-A. GRCh37 (hg19) VCF-style: chrX-153136269-G-A.
Other names: c.670C>T, p.Pro224Ser (NM_000425.5, NM_024003.3); c.655C>T, p.Pro219Ser (NM_001143963.2); short protein forms P219S, P224S.
Identifiers: ClinVar variation 3251041 (VCV003251041.18), dbSNP rs2064762135.